The following is an entry in ClinVar:

NM_000701.8(ATP1A1):c.1058G>A (p.Arg353Lys)

Genes: ATP1A1 (ATPase Na+/K+ transporting subunit alpha 1; plus strand), LOC129931264 (ATAC-STARR-seq lymphoblastoid active region 1561; plus strand). Cytogenetic location: 1p13.1.
Variant type: single nucleotide variant.
Coding change: c.1058G>A on transcript NM_000701.8 (MANE Select); coding-DNA position 1058, G replaced by A.
Protein change: p.Arg353Lys; replaces arginine 353 with lysine.
Molecular consequence: missense variant.
Genome position (GRCh38, 1-based): chr1:116,390,247, G>A. VCF-style: chr1-116390247-G-A. GRCh37 (hg19) VCF-style: chr1-116932869-G-A.
Other names: c.1058G>A, p.Arg353Lys (NM_001160233.2); c.965G>A, p.Arg322Lys (NM_001160234.2); short protein forms R322K, R353K.
Identifiers: ClinVar variation 1719317 (VCV001719317.6), dbSNP rs771268719, ClinGen allele CA1025231.

ClinVar aggregate classification (germline): Uncertain significance (1 of 4 stars; one submission).

Allele frequency attached by ClinVar (database versions not stated): TOPMed below 0.00001; ExAC 0.00001; gnomAD exomes 0.00001.
gnomAD v4.1: 3 of 1,614,138 alleles (0.00019%); highest among the groups gnomAD compares: Non-Finnish European, 0.00025%; no homozygotes.

Submission:

Labcorp Genetics (formerly Invitae), Labcorp
Classification: Uncertain significance. Last evaluated: 2022-09-13. Review status: criteria provided, single submitter. Criteria: Invitae Variant Classification Sherloc (09022015). Collection method: clinical testing. Allele origin: germline.
Comment: In summary, the available evidence is currently insufficient to determine the role of this variant in disease. Therefore, it has been classified as a Variant of Uncertain Significance. Advanced modeling of protein sequence and biophysical properties (such as structural, functional, and spatial information, amino acid conservation, physicochemical variation, residue mobility, and thermodynamic stability) performed at Invitae indicates that this missense variant is not expected to disrupt ATP1A1 protein function. This variant has not been reported in the literature in individuals affected with ATP1A1-related conditions. This variant is present in population databases (rs771268719, gnomAD 0.003%). This sequence change replaces arginine, which is basic and polar, with lysine, which is basic and polar, at codon 353 of the ATP1A1 protein (p.Arg353Lys).